The following is an entry in ClinVar:

ClinVar aggregate classification (germline): Conflicting classifications of pathogenicity. Review status: criteria provided, conflicting classifications (1 of 4 stars). 2 submissions from 2 submitters: Likely pathogenic (1); Uncertain significance (1). Last evaluated 2025-09-10.

Conditions:
Autosomal recessive polycystic kidney disease (ARPKD). Also called: AR polycystic kidney disease. Identifiers: Orphanet 731, Orphanet 8378, MedGen C0085548, MeSH D017044, MONDO:0009889.
Polycystic kidney disease 4 (PKD4). Also called: POLYCYSTIC KIDNEY AND HEPATIC DISEASE 1; POLYCYSTIC KIDNEY DISEASE, INFANTILE, TYPE I; POLYCYSTIC KIDNEY DISEASE 4 WITH OR WITHOUT POLYCYSTIC LIVER DISEASE; PKD3; Autosomal Recessive Polycystic Kidney Disease – PKHD1. Identifiers: MedGen C4540575, MONDO:0033004, OMIM 263200.

Allele frequency attached by ClinVar (database versions not stated): TOPMed below 0.00001.

Submissions (2):

Myriad Genetics, Inc.
Classification: Uncertain significance for Polycystic kidney disease 4. Last evaluated: 2025-09-10. Review status: criteria provided, single submitter. Criteria: Myriad Autosomal Dominant, Autosomal Recessive and X-Linked Classification Criteria (2023). Collection method: clinical testing. Allele origin: unknown.
Comment: NM_138694.3(PKHD1):c.5336A>G(N1779S) is a missense variant classified as a variant of uncertain significance in the context of autosomal recessive polycystic kidney disease, PKHD1-related. N1779S has been observed in cases with relevant disease (PMID: 27225849). Relevant functional assessments of this variant are not available in the literature. N1779S has not been observed in referenced population frequency databases. In summary, there is insufficient evidence to classify NM_138694.3(PKHD1):c.5336A>G(N1779S) as pathogenic or benign. Please note: this variant was assessed in the context of healthy population screening.

Women's Health and Genetics/Laboratory Corporation of America, LabCorp
Classification: Likely pathogenic for Autosomal recessive polycystic kidney disease. Last evaluated: 2023-05-05. Review status: criteria provided, single submitter. Criteria: LabCorp Variant Classification Summary - May 2015. Collection method: clinical testing. Allele origin: germline.
Comment: Variant summary: PKHD1 c.5336A>G (p.Asn1779Ser) results in a conservative amino acid change in the encoded protein sequence. Five of five in-silico tools predict a benign effect of the variant on protein function. The variant was absent in 251246 control chromosomes (gnomAD). c.5336A>G has been reported in the literature as a biallelic genotype in individuals affected with Polycystic Kidney And Hepatic Disease (Melchionda_2016). These data indicate that the variant is likely to be associated with disease. To our knowledge, no experimental evidence demonstrating an impact on protein function has been reported. The following publication have been ascertained in the context of this evaluation (PMID: 27225849). No clinical diagnostic laboratories have submitted clinical-significance assessments for this variant to ClinVar after 2014. Based on the evidence outlined above, the variant was classified as likely pathogenic.

Literature cited by the submitters: PubMed 27225849 (cited by Myriad Genetics, Inc. and Women's Health and Genetics/Laboratory Corporation of America, LabCorp).

NM_138694.4(PKHD1):c.5336A>G (p.Asn1779Ser)

Gene: PKHD1 (PKHD1 ciliary IPT domain containing fibrocystin/polyductin; minus strand). Cytogenetic location: 6p12.2.
Variant type: single nucleotide variant.
Coding change: c.5336A>G on transcript NM_138694.4 (MANE Select); coding-DNA position 5336, A replaced by G.
Protein change: p.Asn1779Ser; replaces asparagine 1779 with serine.
Molecular consequence: missense variant.
Genome position (GRCh38, 1-based): chr6:52,022,845, T>C on the plus strand (A>G on the coding strand, the complement: PKHD1 is on the minus strand). VCF-style: chr6-52022845-T-C. GRCh37 (hg19) VCF-style: chr6-51887643-T-C.
Other names: c.5336A>G, p.Asn1779Ser (NM_170724.3); short protein forms N1779S.
Identifiers: ClinVar variation 2506098 (VCV002506098.2), dbSNP rs1801599945, ClinGen allele CA364427562.
Genomic context (GRCh38, chr6:52,022,845, plus strand): 5'-TGGCATCTTTACTCACCATCCAGGGGCAGAACCAAGCAGCTGAAGGCAGACACTGTAGCA[T>C]TAGCCAGGACTCGGCAGGGAGCACCACACACAGCAGCTGAGACATTCCCTGGAGAAAATC-3'
Protein context (NP_619639.3, residues 1769-1789): VCGAPCRVLA[Asn1779Ser]ATVSAFSCLV